The following is an entry in ClinVar:

ClinVar aggregate classification (germline): Pathogenic. Review status: reviewed by expert panel (3 of 4 stars). 6 submissions from 6 submitters: Pathogenic (1). 5 of the submissions do not count toward it. Last evaluated 2016-10-18.

Conditions:
Breast neoplasm. Also called: Neoplasm of breast; Breast tumor; Neoplasm of the breast; Breast Neoplasms. Identifiers: MedGen C1458155, MeSH D001943, MONDO:0021100, HP:0100013. Disease mechanism: gain of function.
Hereditary cancer-predisposing syndrome. Also called: Hereditary Cancer Syndrome; Tumor predisposition; Neoplastic Syndromes, Hereditary; Hereditary neoplastic syndrome. Identifiers: Orphanet 140162, MedGen C0027672, MeSH D009386, MONDO:0015356.
Breast-ovarian cancer, familial, susceptibility to, 2 (BROVCA2). Also called: BRCA2 Hereditary Breast and Ovarian Cancer. Identifiers: Orphanet 145, MedGen C2675520, MONDO:0012933, OMIM 612555. Disease mechanism: loss of function.
Familial cancer of breast. Also called: BREAST CANCER, FAMILIAL; hereditary breast carcinoma; Hereditary breast cancer. Identifiers: Orphanet 227535, MedGen C0346153, MONDO:0016419, OMIM 114480. Disease mechanism: loss of function.
Hereditary breast ovarian cancer syndrome. Also called: Hereditary breast and ovarian cancer syndrome; Hereditary breast and ovarian cancer; Hereditary breast and ovarian cancer syndrome (HBOC); BRCA1- and BRCA2-Associated Hereditary Breast and Ovarian Cancer; Hereditary breast and/or ovarian cancer syndrome; Breast and ovarian cancer. Identifiers: Orphanet 145, MedGen C0677776, MeSH D061325, MONDO:0003582. Disease mechanism: loss of function.

Submissions (6):

Evidence-based Network for the Interpretation of Germline Mutant Alleles (ENIGMA)
Classification: Pathogenic for Breast-ovarian cancer, familial, susceptibility to, 2. Last evaluated: 2016-10-18. Review status: reviewed by expert panel. Criteria: ENIGMA BRCA1/2 Classification Criteria (2015). Collection method: curation. Allele origin: germline.
Comment: Variant allele predicted to encode a truncated non-functional protein.

Institute of Medical Genetics and Applied Genomics, University Hospital Tübingen
Classification: Pathogenic for Hereditary breast ovarian cancer syndrome. Last evaluated: 2026-07-03. Review status: criteria provided, single submitter. Criteria: ACMG Guidelines, 2015. Collection method: clinical testing. Allele origin: germline. Inheritance: Autosomal dominant inheritance. Affected: yes. Not counted in ClinVar's aggregate classification.

Department of Pathology and Laboratory Medicine, Sinai Health System
Classification: Pathogenic for Familial cancer of breast; Breast-ovarian cancer, familial, susceptibility to, 2. Last evaluated: 2025-01-02. Review status: criteria provided, single submitter. Criteria: ACMG Guidelines, 2015. Collection method: clinical testing. Allele origin: germline. Affected: yes. Not counted in ClinVar's aggregate classification.

Ambry Genetics
Classification: Pathogenic for Hereditary cancer-predisposing syndrome. Last evaluated: 2024-01-16. Review status: criteria provided, single submitter. Criteria: Ambry Variant Classification Scheme 2023. Collection method: clinical testing. Allele origin: germline. Not counted in ClinVar's aggregate classification.
Comment: The p.L2732* pathogenic mutation (also known as c.8195T>G), located in coding exon 17 of the BRCA2 gene, results from a T to G substitution at nucleotide position 8195. This changes the amino acid from a leucine to a stop codon within coding exon 17. In addition to the information presented in the literature, this alteration is expected to result in loss of function by premature protein truncation or nonsense-mediated mRNA decay. This variant is considered to be rare based on population cohorts in the Genome Aggregation Database (gnomAD). As such, this alteration is interpreted as a disease-causing mutation.

Consortium of Investigators of Modifiers of BRCA1/2 (CIMBA), c/o University of Cambridge
Classification: Pathogenic for Breast-ovarian cancer, familial, susceptibility to, 2. Last evaluated: 2015-10-02. Review status: criteria provided, single submitter. Criteria: CIMBA Mutation Classification guidelines May 2016. Collection method: clinical testing. Allele origin: germline. Not counted in ClinVar's aggregate classification.

Clinical and Functional Genomics Group, A.C.Camargo Cancer Center
Classification: Pathogenic for Breast Cancer. Review status: criteria provided, single submitter. Criteria: Silva et al. (BMC Med Genet. 2014). Collection method: research. Allele origin: germline. Affected: yes. Not counted in ClinVar's aggregate classification.

Literature cited by the submitters: PubMed 24884479 (cited by Department of Pathology and Laboratory Medicine, Sinai Health System and Ambry Genetics); PubMed 33573335 (cited by Department of Pathology and Laboratory Medicine, Sinai Health System and Ambry Genetics); PubMed 23469205 (cited by Clinical and Functional Genomics Group, A.C.Camargo Cancer Center).

NM_000059.4(BRCA2):c.8195T>G (p.Leu2732Ter)

Gene: BRCA2 (BRCA2 DNA repair associated; plus strand). Cytogenetic location: 13q13.1.
Variant type: single nucleotide variant.
Coding change: c.8195T>G on transcript NM_000059.4 (MANE Select); coding-DNA position 8195, T replaced by G.
Protein change: p.Leu2732Ter; replaces leucine 2732 with a stop codon.
Molecular consequence: nonsense.
Genome position (GRCh38, 1-based): chr13:32,363,397, T>G. VCF-style: chr13-32363397-T-G. GRCh37 (hg19) VCF-style: chr13-32937534-T-G.
Other names: 8423T>G (L2732X); short protein forms L2732*.
Identifiers: ClinVar variation 52526 (VCV000052526.8), dbSNP rs397507967, ClinGen allele CA025504.